The following is an entry in ClinVar:

ClinVar aggregate classification (germline): Uncertain significance (1 of 4 stars; one submission).

gnomAD v4.1: 2 of 1,573,872 alleles (0.00013%); highest among the groups gnomAD compares: African/African-American, 0.0013%; no homozygotes.

Submission:

Labcorp Genetics (formerly Invitae), Labcorp
Classification: Uncertain significance. Last evaluated: 2024-10-07. Review status: criteria provided, single submitter. Criteria: Invitae Variant Classification Sherloc (09022015). Collection method: clinical testing. Allele origin: germline.
Comment: This sequence change replaces leucine, which is neutral and non-polar, with phenylalanine, which is neutral and non-polar, at codon 117 of the UMOD protein (p.Leu117Phe). The frequency data for this variant in the population databases is considered unreliable, as metrics indicate poor data quality at this position in the gnomAD database. This variant has not been reported in the literature in individuals affected with UMOD-related conditions. Invitae Evidence Modeling of protein sequence and biophysical properties (such as structural, functional, and spatial information, amino acid conservation, physicochemical variation, residue mobility, and thermodynamic stability) indicates that this missense variant is not expected to disrupt UMOD protein function with a negative predictive value of 95%. In summary, the available evidence is currently insufficient to determine the role of this variant in disease. Therefore, it has been classified as a Variant of Uncertain Significance.

NM_003361.4(UMOD):c.349C>T (p.Leu117Phe)

Gene: UMOD (uromodulin; minus strand). Cytogenetic location: 16p12.3.
Variant type: single nucleotide variant.
Coding change: c.349C>T on transcript NM_003361.4 (MANE Select); coding-DNA position 349, C replaced by T.
Protein change: p.Leu117Phe; replaces leucine 117 with phenylalanine.
Molecular consequence: missense variant. On other transcripts: non-coding transcript variant (1).
Genome position (GRCh38, 1-based): chr16:20,348,952, G>A on the plus strand (C>T on the coding strand, the complement: UMOD is on the minus strand). VCF-style: chr16-20348952-G-A. GRCh37 (hg19) VCF-style: chr16-20360274-G-A.
Other names: c.349C>T, p.Leu117Phe (NM_001008389.3, NM_001378232.1, NM_001378233.1 and 3 more transcripts); c.448C>T, p.Leu150Phe (NM_001278614.2); short protein forms L117F, L150F.
Identifiers: ClinVar variation 3676858 (VCV003676858.2).